The following is an entry in ClinVar:

NM_001110556.2(FLNA):c.3173C>T (p.Pro1058Leu)

Gene: FLNA (filamin A; minus strand). Cytogenetic location: Xq28.
Variant type: single nucleotide variant.
Coding change: c.3173C>T on transcript NM_001110556.2 (MANE Select); coding-DNA position 3173, C replaced by T.
Protein change: p.Pro1058Leu; replaces proline 1058 with leucine.
Molecular consequence: missense variant.
Genome position (GRCh38, 1-based): chrX:154,361,342, G>A on the plus strand (C>T on the coding strand, the complement: FLNA is on the minus strand). VCF-style: chrX-154361342-G-A. GRCh37 (hg19) VCF-style: chrX-153589710-G-A.
Other names: p.Pro1058Leu; c.3173C>T (NM_001456.3); c.3173C>T, p.Pro1058Leu (NM_001456.4); short protein forms P1058L.
Identifiers: ClinVar variation 1434441 (VCV001434441.9), dbSNP rs782614645, ClinGen allele CA10560762.

ClinVar aggregate classification (germline): Conflicting classifications of pathogenicity. Review status: criteria provided, conflicting classifications (1 of 4 stars). 2 submissions from 2 submitters: Uncertain significance (1); Benign (1). Last evaluated 2025-10-22.

Conditions:
Melnick-Needles syndrome (MNS). Also called: MELNICK-NEEDLES OSTEODYSPLASTY; Melnick-Needles Syndrome (FLNA-MNS); OSTEODYSPLASTY OF MELNICK AND NEEDLES. Identifiers: Orphanet 2484, MedGen C0025237, MONDO:0010650, OMIM 309350.
Frontometaphyseal dysplasia (FMD1). Identifiers: Orphanet 1826, MedGen C0265293, MONDO:0015942.
Heterotopia, periventricular, X-linked dominant (PVNH1). Also called: PERIVENTRICULAR NODULAR HETEROTOPIA 1; X-linked periventricular heterotopia; PERIVENTRICULAR NODULAR HETEROTOPIA 4; HETEROTOPIA, PERIVENTRICULAR, 1. Identifiers: Orphanet 2149, Orphanet 82004, MedGen C1848213, MONDO:0010233, OMIM 300049.
Oto-palato-digital syndrome, type II (OPD2). Also called: FACIOPALATOOSSEOUS SYNDROME; Otopalatodigital Syndrome Type 2 (FLNA-OPD2); OPD II SYNDROME; Otopalatodigital Syndrome, Type II. Identifiers: Orphanet 669, Orphanet 90652, MedGen C1844696, MONDO:0010571, OMIM 304120.

Allele frequency attached by ClinVar (database versions not stated): gnomAD exomes 0.00001 and 0.00003; ExAC 0.00002; TOPMed 0.00005.
gnomAD v4.1: 8 of 1,210,708 alleles (0.00066%); highest among the groups gnomAD compares: East Asian, 0.012%; no homozygotes.

Submissions (2):

Mayo Clinic Laboratories, Mayo Clinic
Classification: Uncertain significance. Last evaluated: 2025-10-22. Review status: criteria provided, single submitter. Criteria: ACMG Guidelines, 2015. Collection method: clinical testing. Allele origin: germline. Observed: 1 variant allele.
Comment: PP2

Labcorp Genetics (formerly Invitae), Labcorp
Classification: Benign for Oto-palato-digital syndrome, type II; Heterotopia, periventricular, X-linked dominant; Frontometaphyseal dysplasia; Melnick-Needles syndrome. Last evaluated: 2025-08-04. Review status: criteria provided, single submitter. Criteria: Invitae Variant Classification Sherloc (09022015). Collection method: clinical testing. Allele origin: germline.